The following is an entry in ClinVar:

NM_000321.3(RB1):c.508G>T (p.Glu170Ter)

Gene: RB1 (RB transcriptional corepressor 1; plus strand). Cytogenetic location: 13q14.2.
Variant type: single nucleotide variant.
Coding change: c.508G>T on transcript NM_000321.3 (MANE Select); coding-DNA position 508, G replaced by T.
Protein change: p.Glu170Ter; replaces glutamic acid 170 with a stop codon.
Molecular consequence: nonsense.
Genome position (GRCh38, 1-based): chr13:48,347,832, G>T. VCF-style: chr13-48347832-G-T. GRCh37 (hg19) VCF-style: chr13-48921968-G-T.
Other names: L11910:g.44675G>T; short protein forms E170*.
Identifiers: ClinVar variation 126814 (VCV000126814.2), dbSNP rs587778826, ClinGen allele CA026460.

ClinVar aggregate classification (germline): Pathogenic (1 of 4 stars; one submission).

Conditions:
Retinoblastoma (RB1). Also called: RETINOBLASTOMA, SOMATIC. Identifiers: Orphanet 790, MedGen C0035335, MeSH D012175, MONDO:0008380, OMIM 180200, HP:0009919. Disease mechanism: loss of function. Inheritance: Both sporadic and heritable forms are tested..

Submission:

Genetic Diagnostic Laboratory, University of Pennsylvania School of Medicine
Classification: Pathogenic for Retinoblastoma. Last evaluated: 2024-05-20. Review status: criteria provided, single submitter. Criteria: ACMG Guidelines, 2015. Collection method: clinical testing. Allele origin: germline. Affected: yes. Observed: 1 variant allele.
Comment: Case and Pedigree Information: BILATERAL CASES:1, UNILATERAL CASES:0, TOTAL CASES:1, PEDIGREES:1. ACMG Codes Applied:PVS1, PM2